The following is an entry in ClinVar:

NM_001378778.1(MPDZ):c.5601+4A>T

Gene: MPDZ (multiple PDZ domain crumbs cell polarity complex component; minus strand). Cytogenetic location: 9p23.
Variant type: single nucleotide variant.
Coding change: c.5601+4A>T on transcript NM_001378778.1 (MANE Select); 4 bases into the intron after coding-DNA position 5601, A replaced by T.
Molecular consequence: intron variant.
Genome position (GRCh38, 1-based): chr9:13,113,007, T>A on the plus strand (A>T on the coding strand, the complement: MPDZ is on the minus strand). VCF-style: chr9-13113007-T-A. GRCh37 (hg19) VCF-style: chr9-13113006-T-A.
Other names: c.5304+4A>T (NM_001375425.1, NM_001375426.1); c.5391+4A>T (NM_001375420.1, NM_001375423.1, NM_001375424.1 and 2 more transcripts); c.5415+4A>T (NM_001375419.1, NM_001261407.2); c.5502+4A>T (NM_001375416.1, NM_001375418.1, NM_001261406.2 and 1 more transcripts); c.5601+4A>T (NM_001330637.2); c.5193+4A>T (NM_001375427.1); c.5514+4A>T (NM_003829.5); c.5700+4A>T (NM_001375413.1).
Identifiers: ClinVar variation 1922900 (VCV001922900.5), dbSNP rs544272098, ClinGen allele CA4986198.

ClinVar aggregate classification (germline): Uncertain significance (1 of 4 stars; one submission).

gnomAD v4.1: 22 of 1,582,732 alleles (0.0014%); highest among the groups gnomAD compares: South Asian, 0.02%; no homozygotes.

Submission:

Labcorp Genetics (formerly Invitae), Labcorp
Classification: Uncertain significance. Last evaluated: 2025-02-24. Review status: criteria provided, single submitter. Criteria: Invitae Variant Classification Sherloc (09022015). Collection method: clinical testing. Allele origin: germline.
Comment: This sequence change falls in intron 41 of the MPDZ gene. It does not directly change the encoded amino acid sequence of the MPDZ protein. It affects a nucleotide within the consensus splice site. This variant is present in population databases (rs544272098, gnomAD 0.02%). This variant has not been reported in the literature in individuals affected with MPDZ-related conditions. ClinVar contains an entry for this variant (Variation ID: 1922900). Variants that disrupt the consensus splice site are a relatively common cause of aberrant splicing (PMID: 17576681, 9536098). Algorithms developed to predict the effect of sequence changes on RNA splicing suggest that this variant may create or strengthen a splice site. In summary, the available evidence is currently insufficient to determine the role of this variant in disease. Therefore, it has been classified as a Variant of Uncertain Significance.

Literature cited by the submitters: PubMed 17576681; PubMed 9536098.